The following is an entry in ClinVar:

NM_000719.7(CACNA1C):c.5120T>C (p.Val1707Ala)

Genes: CACNA1C-AS1 (CACNA1C antisense RNA 1; minus strand), CACNA1C (calcium voltage-gated channel subunit alpha1 C; plus strand). Cytogenetic location: 12p13.33.
Variant type: single nucleotide variant.
Coding change: c.5120T>C on transcript NM_000719.7 (MANE Select); coding-DNA position 5120, T replaced by C.
Protein change: p.Val1707Ala; replaces valine 1707 with alanine.
Molecular consequence: missense variant.
Genome position (GRCh38, 1-based): chr12:2,679,472, T>C. VCF-style: chr12-2679472-T-C. GRCh37 (hg19) VCF-style: chr12-2788638-T-C.
Other names: p.V1707A:GTC>GCC; c.5264T>C, p.Val1755Ala (NM_001129827.2, NM_199460.4); c.5243T>C, p.Val1748Ala (NM_001129829.2); c.5120T>C, p.Val1707Ala (NM_001129830.3, NM_001129840.2, NM_001129841.2 and 4 more transcripts); c.5204T>C, p.Val1735Ala (NM_001129831.2); c.5180T>C, p.Val1727Ala (NM_001129832.2); c.5177T>C, p.Val1726Ala (NM_001129833.2, NM_001129834.2, NM_001129835.2); c.5171T>C, p.Val1724Ala (NM_001129836.2); and 4 more; short protein forms V1707A, V1755A, V1715A, V1724A, V1726A, V1727A, V1735A, V1713A.
Identifiers: ClinVar variation 190622 (VCV000190622.16), dbSNP rs531161884, ClinGen allele CA301148.

ClinVar aggregate classification (germline): Conflicting classifications of pathogenicity. Review status: criteria provided, conflicting classifications (1 of 4 stars). 4 submissions from 4 submitters: Uncertain significance (2); Benign (1); Likely benign (1). Last evaluated 2026-01-20.

Conditions:
Cardiovascular phenotype. Identifiers: MedGen CN230736.
Timothy syndrome (TS). Also called: LONG QT SYNDROME WITH SYNDACTYLY. Identifiers: Orphanet 65283, MedGen C1832916, MeSH C536962, MONDO:0010979, OMIM 601005.
Brugada syndrome 3 (BRGDA3). Identifiers: Orphanet 130, MedGen C2678478, MONDO:0012742, OMIM 611875.
Long QT syndrome (LQTS). Identifiers: MedGen C0023976, MeSH D008133, MONDO:0002442. Disease mechanism: loss of function. Inheritance: Various modes of inheritance.

Allele frequency attached by ClinVar (database versions not stated): gnomAD exomes 0.00002 and 0.00008; TOPMed 0.00003; gnomAD 0.00004 and 0.00007; ExAC 0.00008; 1000 Genomes Project 30x 0.00078; 1000 Genomes Project 0.00100.
gnomAD v4.1: 36 of 1,592,324 alleles (0.0023%); highest among the groups gnomAD compares: East Asian, 0.077%; no homozygotes.

Submissions (4):

Labcorp Genetics (formerly Invitae), Labcorp
Classification: Likely benign for Long QT syndrome. Last evaluated: 2026-01-20. Review status: criteria provided, single submitter. Criteria: Invitae Variant Classification Sherloc (09022015). Collection method: clinical testing. Allele origin: germline.

Ambry Genetics
Classification: Benign for Cardiovascular phenotype. Last evaluated: 2024-07-11. Review status: criteria provided, single submitter. Criteria: Ambry Variant Classification Scheme 2023. Collection method: clinical testing. Allele origin: germline.

Fulgent Genetics
Classification: Uncertain significance for Timothy syndrome; Brugada syndrome 3. Last evaluated: 2018-10-31. Review status: criteria provided, single submitter. Criteria: ACMG Guidelines, 2015. Collection method: clinical testing. Allele origin: unknown.

GeneDx
Classification: Uncertain significance. Last evaluated: 2016-08-01. Review status: criteria provided, single submitter. Criteria: GeneDx Variant Classification (06012015). Collection method: clinical testing. Allele origin: germline. Affected: yes.
Comment: The V1707A variant has not been published as a pathogenic variant, nor has it been reported as a benign variant to our knowledge. However, this variant has been reported in other individuals referred for inherited arrhythmia testing at GeneDx. The V1707A variant was not observed in approximately 6,200 individuals of European and African American ancestry in the NHLBI Exome Sequencing Project, indicating it is not a common benign variant in these populations. However, the V1707A variant has been reported in 4/3,384 (0.1%) alleles from individuals of East Asian ancestry in the Exome Aggregation Consortium. The V1707A variant is a conservative amino acid substitution, which is not likely to impact secondary protein structure as these residues share similar properties. Nevertheless, this substitution occurs at a position that is conserved across species and in silico analysis predicts this variant is probably damaging to the protein structure/function. Therefore, based on the currently available information, it is unclear whether this variant is pathogenic or rare benign. This result cannot be interpreted for diagnosis or used for family member screening at this time.